The following is an entry in ClinVar:

ClinVar aggregate classification (germline): Uncertain significance. Review status: criteria provided, multiple submitters, no conflicts (2 of 4 stars). 4 submissions from 4 submitters: Uncertain significance (4). Last evaluated 2024-12-27.

Conditions:
Aortic aneurysm, familial thoracic 8 (AAT8). Identifiers: MedGen C3809513, MONDO:0014187, OMIM 615436.
Familial thoracic aortic aneurysm and aortic dissection (TAAD). Also called: Thoracic aortic aneurysms and dissections. Identifiers: Orphanet 91387, MedGen C4707243, MONDO:0019625.

Allele frequency attached by ClinVar (database versions not stated): gnomAD exomes below 0.00001.
gnomAD v4.1: 1 of 1,607,470 alleles (0.000062%); highest among the groups gnomAD compares: Non-Finnish European, 0.000085%; no homozygotes.

Submissions (4):

Women's Health and Genetics/Laboratory Corporation of America, LabCorp
Classification: Uncertain significance. Last evaluated: 2024-12-27. Review status: criteria provided, single submitter. Criteria: LabCorp Variant Classification Summary - May 2015. Collection method: clinical testing. Allele origin: germline.

GeneDx
Classification: Uncertain significance. Last evaluated: 2023-08-22. Review status: criteria provided, single submitter. Criteria: GeneDx Variant Classification Process June 2021. Collection method: clinical testing. Allele origin: germline. Affected: yes.
Comment: Not observed at significant frequency in large population cohorts (gnomAD); In silico analysis supports that this missense variant has a deleterious effect on protein structure/function; Has not been previously published as pathogenic or benign to our knowledge

Labcorp Genetics (formerly Invitae), Labcorp
Classification: Uncertain significance for Aortic aneurysm, familial thoracic 8. Last evaluated: 2023-08-10. Review status: criteria provided, single submitter. Criteria: Invitae Variant Classification Sherloc (09022015). Collection method: clinical testing. Allele origin: germline.
Comment: ClinVar contains an entry for this variant (Variation ID: 1780128). An algorithm developed to predict the effect of missense changes on protein structure and function (PolyPhen-2) suggests that this variant is likely to be tolerated. In summary, the available evidence is currently insufficient to determine the role of this variant in disease. Therefore, it has been classified as a Variant of Uncertain Significance. This variant has not been reported in the literature in individuals affected with PRKG1-related conditions. This sequence change replaces lysine, which is basic and polar, with asparagine, which is neutral and polar, at codon 596 of the PRKG1 protein (p.Lys596Asn). This variant is not present in population databases (gnomAD no frequency).

Ambry Genetics
Classification: Uncertain significance for Familial thoracic aortic aneurysm and aortic dissection. Last evaluated: 2022-02-12. Review status: criteria provided, single submitter. Criteria: Ambry Variant Classification Scheme 2023. Collection method: clinical testing. Allele origin: germline.
Comment: The p.K596N variant (also known as c.1788G>T), located in coding exon 15 of the PRKG1 gene, results from a G to T substitution at nucleotide position 1788. The lysine at codon 596 is replaced by asparagine, an amino acid with similar properties. This amino acid position is conserved. In addition, this alteration is predicted to be tolerated by in silico analysis. Since supporting evidence is limited at this time, the clinical significance of this alteration remains unclear.

NM_006258.4(PRKG1):c.1788G>T (p.Lys596Asn)

Gene: PRKG1 (protein kinase cGMP-dependent 1; plus strand). Cytogenetic location: 10q21.1.
Variant type: single nucleotide variant.
Coding change: c.1788G>T on transcript NM_006258.4 (MANE Select); coding-DNA position 1788, G replaced by T.
Protein change: p.Lys596Asn; replaces lysine 596 with asparagine.
Molecular consequence: missense variant.
Genome position (GRCh38, 1-based): chr10:52,288,804, G>T. VCF-style: chr10-52288804-G-T. GRCh37 (hg19) VCF-style: chr10-54048564-G-T.
Other names: c.1743G>T, p.Lys581Asn (NM_001098512.3); c.579G>T, p.Lys193Asn (NM_001374781.1); short protein forms K581N, K193N, K596N.
Identifiers: ClinVar variation 1780128 (VCV001780128.7), dbSNP rs2492884754, ClinGen allele CA376536288.